The following is an entry in ClinVar:

ClinVar aggregate classification (germline): Uncertain significance. Review status: criteria provided, multiple submitters, no conflicts (2 of 4 stars). 2 submissions from 2 submitters: Uncertain significance (2). Last evaluated 2024-09-04.

Conditions:
Hereditary cancer-predisposing syndrome. Also called: Hereditary neoplastic syndrome; Neoplastic Syndromes, Hereditary; Tumor predisposition; Hereditary Cancer Syndrome. Identifiers: Orphanet 140162, MedGen C0027672, MeSH D009386, MONDO:0015356.
Cardiovascular phenotype. Identifiers: MedGen CN230736.
Neurofibromatosis, type 1 (NF1). Also called: VON RECKLINGHAUSEN DISEASE; NEUROFIBROMATOSIS, TYPE I, SOMATIC; Peripheral type neurofibromatosis; Neurofibromatosis, type I. Identifiers: Orphanet 636, MedGen C0027831, MONDO:0018975, OMIM 162200. Disease mechanism: loss of function.

Submissions (2):

Ambry Genetics
Classification: Uncertain significance for Cardiovascular phenotype; Hereditary cancer-predisposing syndrome. Last evaluated: 2024-09-04. Review status: criteria provided, single submitter. Criteria: Ambry Variant Classification Scheme 2023. Collection method: clinical testing. Allele origin: germline.
Comment: The p.A1462S variant (also known as c.4384G>T), located in coding exon 33 of the NF1 gene, results from a G to T substitution at nucleotide position 4384. The alanine at codon 1462 is replaced by serine, an amino acid with similar properties. This amino acid position is conserved. In addition, the in silico prediction for this alteration is inconclusive. Based on the available evidence, the clinical significance of this variant remains unclear.

Labcorp Genetics (formerly Invitae), Labcorp
Classification: Uncertain significance for Neurofibromatosis, type 1. Last evaluated: 2024-08-15. Review status: criteria provided, single submitter. Criteria: Invitae Variant Classification Sherloc (09022015). Collection method: clinical testing. Allele origin: germline.
Comment: This sequence change replaces alanine, which is neutral and non-polar, with serine, which is neutral and polar, at codon 1462 of the NF1 protein (p.Ala1462Ser). This variant is not present in population databases (gnomAD no frequency). This variant has not been reported in the literature in individuals affected with NF1-related conditions. ClinVar contains an entry for this variant (Variation ID: 1040315). Invitae Evidence Modeling of protein sequence and biophysical properties (such as structural, functional, and spatial information, amino acid conservation, physicochemical variation, residue mobility, and thermodynamic stability) indicates that this missense variant is expected to disrupt NF1 protein function with a positive predictive value of 80%. In summary, the available evidence is currently insufficient to determine the role of this variant in disease. Therefore, it has been classified as a Variant of Uncertain Significance.

NM_001042492.3(NF1):c.4447G>T (p.Ala1483Ser)

Gene: NF1 (neurofibromin 1; plus strand). Cytogenetic location: 17q11.2.
Variant type: single nucleotide variant.
Coding change: c.4447G>T on transcript NM_001042492.3 (MANE Select); coding-DNA position 4447, G replaced by T.
Protein change: p.Ala1483Ser; replaces alanine 1483 with serine.
Molecular consequence: missense variant.
Genome position (GRCh38, 1-based): chr17:31,260,385, G>T. VCF-style: chr17-31260385-G-T. GRCh37 (hg19) VCF-style: chr17-29587403-G-T.
Other names: c.4384G>T, p.Ala1462Ser (NM_000267.4); short protein forms A1483S, A1462S.
Identifiers: ClinVar variation 1040315 (VCV001040315.6), dbSNP rs1555618808, ClinGen allele CA398999216.